The following is an entry in ClinVar:

NM_000388.4(CASR):c.1066T>C (p.Phe356Leu)

Gene: CASR (calcium sensing receptor; plus strand). Cytogenetic location: 3q21.1.
Variant type: single nucleotide variant.
Coding change: c.1066T>C on transcript NM_000388.4 (MANE Select); coding-DNA position 1066, T replaced by C.
Protein change: p.Phe356Leu; replaces phenylalanine 356 with leucine.
Molecular consequence: missense variant.
Genome position (GRCh38, 1-based): chr3:122,262,101, T>C. VCF-style: chr3-122262101-T-C. GRCh37 (hg19) VCF-style: chr3-121980948-T-C.
Other names: c.1066T>C, p.Phe356Leu (NM_001178065.2); short protein forms F356L.
Identifiers: ClinVar variation 3485315 (VCV003485315.1).

ClinVar aggregate classification (germline): Uncertain significance (1 of 4 stars; one submission).

Conditions:
Nephrolithiasis/nephrocalcinosis. Identifiers: MedGen CN580796.

Submission:

Ambry Genetics
Classification: Uncertain significance for Nephrolithiasis/nephrocalcinosis. Last evaluated: 2024-08-01. Review status: criteria provided, single submitter. Criteria: Ambry Variant Classification Scheme 2023. Collection method: clinical testing. Allele origin: germline.
Comment: The p.F356L variant (also known as c.1066T>C), located in coding exon 3 of the CASR gene, results from a T to C substitution at nucleotide position 1066. The phenylalanine at codon 356 is replaced by leucine, an amino acid with highly similar properties. This amino acid position is highly conserved in available vertebrate species. In addition, this alteration is predicted to be deleterious by in silico analysis. Based on the available evidence, the clinical significance of this variant remains unclear.